The following is an entry in ClinVar:

NM_000206.3(IL2RG):c.270G>T (p.Trp90Cys)

Gene: IL2RG (interleukin 2 receptor subunit gamma; minus strand). Cytogenetic location: Xq13.1.
Variant type: single nucleotide variant.
Coding change: c.270G>T on transcript NM_000206.3 (MANE Select); coding-DNA position 270, G replaced by T.
Protein change: p.Trp90Cys; replaces tryptophan 90 with cysteine.
Molecular consequence: missense variant.
Genome position (GRCh38, 1-based): chrX:71,110,688, C>A on the plus strand (G>T on the coding strand, the complement: IL2RG is on the minus strand). VCF-style: chrX-71110688-C-A. GRCh37 (hg19) VCF-style: chrX-70330538-C-A.
Other names: short protein forms W90C.
Identifiers: ClinVar variation 1011501 (VCV001011501.8), dbSNP rs1569480047, ClinGen allele CA413496942.
Genomic context (GRCh38, chrX:71,110,688, plus strand): 5'-TTCTTCAGAGAATAGATAGTGGCTGCACTTCTGGACTTTATCATTATCCGAGTTCTTGTA[C>A]CTAGAGGAGAAAGGTTGGAAGGAAGAGGAACAGTGGGGCCAATCTGGGTACTGCAGATAT-3'
Protein context (NP_000197.1, residues 80-100): PQPTNLTLHY[Trp90Cys]YKNSDNDKVQ

ClinVar aggregate classification (germline): Uncertain significance (1 of 4 stars; one submission).

Conditions:
X-linked severe combined immunodeficiency (SCIDX1). Also called: X-Linked Combined Immunodeficiency Diseases; IMMUNODEFICIENCY 4; SCID, X-LINKED; SEVERE COMBINED IMMUNODEFICIENCY, X-LINKED, T CELL-NEGATIVE, B CELL-POSITIVE, NK CELL-NEGATIVE; T-B+ severe combined immunodeficiency due to gamma chain deficiency. Identifiers: Orphanet 276, MedGen C6022468, MONDO:0010315, OMIM 300400. Disease mechanism: loss of function.

Submission:

Labcorp Genetics (formerly Invitae), Labcorp
Classification: Uncertain significance for X-linked severe combined immunodeficiency. Last evaluated: 2024-02-19. Review status: criteria provided, single submitter. Criteria: Invitae Variant Classification Sherloc (09022015). Collection method: clinical testing. Allele origin: germline.
Comment: This sequence change replaces tryptophan, which is neutral and slightly polar, with cysteine, which is neutral and slightly polar, at codon 90 of the IL2RG protein (p.Trp90Cys). This variant is not present in population databases (gnomAD no frequency). This variant has not been reported in the literature in individuals affected with IL2RG-related conditions. ClinVar contains an entry for this variant (Variation ID: 1011501). An algorithm developed to predict the effect of missense changes on protein structure and function (PolyPhen-2) suggests that this variant is likely to be disruptive. In summary, the available evidence is currently insufficient to determine the role of this variant in disease. Therefore, it has been classified as a Variant of Uncertain Significance.